The following is an entry in ClinVar:

ClinVar aggregate classification (germline): Likely benign. Review status: criteria provided, multiple submitters, no conflicts (2 of 4 stars). 3 submissions from 3 submitters: Likely benign (3). Last evaluated 2026-02-13.

Conditions:
MHC class I deficiency. Identifiers: Orphanet 34592, MedGen C6024714, MONDO:0011476.

Allele frequency attached by ClinVar (database versions not stated): gnomAD exomes 0.00026 and 0.00060; ExAC 0.00072; ESP Exome Variant Server 0.00213; gnomAD 0.00238 and 0.00247; TOPMed 0.00274; 1000 Genomes Project 30x 0.00359; 1000 Genomes Project 0.00399.
gnomAD v4.1: 771 of 1,613,082 alleles (0.048%); highest among the groups gnomAD compares: African/African-American, 0.85%; 9 homozygotes.

Submissions (3):

Women's Health and Genetics/Laboratory Corporation of America, LabCorp
Classification: Likely benign. Last evaluated: 2026-02-13. Review status: criteria provided, single submitter. Criteria: LabCorp Variant Classification Summary - May 2015. Collection method: clinical testing. Allele origin: germline.
Comment: Variant summary: TAP2 c.770C>T (p.Thr257Ile) results in a non-conservative amino acid change in the encoded protein sequence. Algorithms developed to predict the effect of missense changes on protein structure and function are either unavailable or do not agree on the potential impact of this missense change. The variant allele was found at a frequency of 0.0006 in 246648 control chromosomes, predominantly at a frequency of 0.0075 within the African or African-American subpopulation in the gnomAD database, including 3 homozygotes. The observed variant frequency within African or African-American control individuals in the gnomAD database exceeds the estimated maximal expected allele frequency for disease-causing variants in TAP2. To our knowledge, no occurrence of c.770C>T in individuals affected with TAP2-related conditions and no experimental evidence demonstrating its impact on protein function have been reported. ClinVar contains an entry for this variant (Variation ID: 784071). Based on the evidence outlined above, the variant was classified as likely benign.

Labcorp Genetics (formerly Invitae), Labcorp
Classification: Likely benign for MHC class I deficiency 1. Last evaluated: 2026-01-21. Review status: criteria provided, single submitter. Criteria: Invitae Variant Classification Sherloc (09022015). Collection method: clinical testing. Allele origin: germline.

Blueprint Genetics
Classification: Likely benign. Last evaluated: 2024-09-23. Review status: criteria provided, single submitter. Criteria: ACMG Guidelines, 2015. Collection method: clinical testing. Allele origin: germline.

NM_001290043.2(TAP2):c.770C>T (p.Thr257Ile)

Gene: TAP2 (transporter 2, ATP binding cassette subfamily B member; minus strand). Cytogenetic location: 6p21.32.
Variant type: single nucleotide variant.
Coding change: c.770C>T on transcript NM_001290043.2 (MANE Select); coding-DNA position 770, C replaced by T.
Protein change: p.Thr257Ile; replaces threonine 257 with isoleucine.
Molecular consequence: missense variant.
Genome position (GRCh38, 1-based): chr6:32,835,329, G>A on the plus strand (C>T on the coding strand, the complement: TAP2 is on the minus strand). VCF-style: chr6-32835329-G-A. GRCh37 (hg19) VCF-style: chr6-32803106-G-A.
Other names: c.770C>T, p.Thr257Ile (NM_000544.3, NM_018833.3); short protein forms T257I.
Identifiers: ClinVar variation 784071 (VCV000784071.13), dbSNP rs138586326, ClinGen allele CA3746058.
Genomic context (GRCh38, chr6:32,835,329, plus strand): 5'-TTCACCAGGCTTCGCAAGAGCACATTGGCATTTAAAGGAAGCCAGTTACTCATCAGGGTG[G>A]TATCCGAGCTCAGCCGTGAGTTCAGCTCCCCTAAGAAGGACAGAGCAGGTGAGGAAAAAG-3'
Protein context (NP_001276972.1, residues 247-267): GELNSRLSSD[Thr257Ile]TLMSNWLPLN